The following is an entry in ClinVar:

NM_002485.5(NBN):c.2093A>G (p.Lys698Arg)

Gene: NBN (nibrin; minus strand). Cytogenetic location: 8q21.3.
Variant type: single nucleotide variant.
Coding change: c.2093A>G on transcript NM_002485.5 (MANE Select); coding-DNA position 2093, A replaced by G.
Protein change: p.Lys698Arg; replaces lysine 698 with arginine.
Molecular consequence: missense variant.
Genome position (GRCh38, 1-based): chr8:89,943,344, T>C on the plus strand (A>G on the coding strand, the complement: NBN is on the minus strand). VCF-style: chr8-89943344-T-C. GRCh37 (hg19) VCF-style: chr8-90955572-T-C.
Other names: NP_002476.2:p.Lys698Arg; c.2093A>G (NM_002485.4); c.1847A>G, p.Lys616Arg (NM_001024688.3); short protein forms K616R, K698R.
Identifiers: ClinVar variation 1679077 (VCV001679077.3), dbSNP rs2130756107, ClinGen allele CA371675783.

ClinVar aggregate classification (germline): Conflicting classifications of pathogenicity. Review status: criteria provided, conflicting classifications (1 of 4 stars). 2 submissions from 2 submitters: Uncertain significance (1); Likely benign (1). Last evaluated 2022-04-19.

Conditions:
Hereditary breast ovarian cancer syndrome. Also called: Hereditary breast and ovarian cancer syndrome; BRCA1- and BRCA2-Associated Hereditary Breast and Ovarian Cancer; Hereditary breast and ovarian cancer syndrome (HBOC); Hereditary breast and/or ovarian cancer syndrome; Breast and ovarian cancer; Hereditary breast and ovarian cancer. Identifiers: Orphanet 145, MedGen C0677776, MeSH D061325, MONDO:0003582. Disease mechanism: loss of function.
Hereditary cancer-predisposing syndrome. Also called: Hereditary neoplastic syndrome; Neoplastic Syndromes, Hereditary; Tumor predisposition; Hereditary Cancer Syndrome. Identifiers: Orphanet 140162, MedGen C0027672, MeSH D009386, MONDO:0015356.

Allele frequency attached by ClinVar (database versions not stated): gnomAD 0.00001.
gnomAD v4.1: 1 of 1,608,128 alleles (0.000062%); highest among the groups gnomAD compares: Non-Finnish European, 0.000085%; no homozygotes.

Submissions (2):

National Health Laboratory Service, Universitas Academic Hospital and University of the Free State
Classification: Likely benign for Hereditary breast ovarian cancer syndrome. Last evaluated: 2022-04-19. Review status: criteria provided, single submitter. Criteria: ACMG Guidelines, 2015. Collection method: clinical testing. Allele origin: germline. Affected: yes. Observed: 1 variant allele.

Ambry Genetics
Classification: Uncertain significance for Hereditary cancer-predisposing syndrome. Last evaluated: 2020-10-21. Review status: criteria provided, single submitter. Criteria: Ambry Variant Classification Scheme 2023. Collection method: clinical testing. Allele origin: germline.
Comment: The p.K698R variant (also known as c.2093A>G), located in coding exon 14 of the NBN gene, results from an A to G substitution at nucleotide position 2093. The lysine at codon 698 is replaced by arginine, an amino acid with highly similar properties. This amino acid position is not well conserved in available vertebrate species. In addition, this alteration is predicted to be tolerated by in silico analysis. Since supporting evidence is limited at this time, the clinical significance of this alteration remains unclear.